The following is an entry in ClinVar:

NM_000256.3(MYBPC3):c.3558C>G (p.Pro1186=)

Gene: MYBPC3 (myosin binding protein C3; minus strand). Cytogenetic location: 11p11.2.
Variant type: single nucleotide variant.
Coding change: c.3558C>G on transcript NM_000256.3 (MANE Select); coding-DNA position 3558, C replaced by G.
Protein change: p.Pro1186=; no amino-acid change (proline 1186 retained).
Molecular consequence: synonymous variant.
Genome position (GRCh38, 1-based): chr11:47,332,635, G>C on the plus strand (C>G on the coding strand, the complement: MYBPC3 is on the minus strand). VCF-style: chr11-47332635-G-C. GRCh37 (hg19) VCF-style: chr11-47354186-G-C.
Identifiers: ClinVar variation 1732651 (VCV001732651.8), dbSNP rs577832590, ClinGen allele CA079431.

ClinVar aggregate classification (germline): Likely benign. Review status: criteria provided, multiple submitters, no conflicts (2 of 4 stars). 3 submissions from 3 submitters: Likely benign (3). Last evaluated 2025-12-21.

Conditions:
Hypertrophic cardiomyopathy. Also called: HYPERTROPHIC MYOCARDIOPATHY. Identifiers: Orphanet 217569, MedGen C0007194, MeSH D002312, MONDO:0005045, HP:0001639.
Cardiovascular phenotype. Identifiers: MedGen CN230736.
MYBPC3-related disorder. Also called: MYBPC3-related condition; MYBPC3-related disease; MYBPC3-related disorders.

Allele frequency attached by ClinVar (database versions not stated): ExAC 0.00001; gnomAD 0.00001; TOPMed 0.00001; 1000 Genomes Project 30x 0.00016; 1000 Genomes Project 0.00020.
gnomAD v4.1: 3 of 1,613,878 alleles (0.00019%); highest among the groups gnomAD compares: African/African-American, 0.0027%; no homozygotes.

Submissions (3):

Labcorp Genetics (formerly Invitae), Labcorp
Classification: Likely benign for Hypertrophic cardiomyopathy. Last evaluated: 2025-12-21. Review status: criteria provided, single submitter. Criteria: Invitae Variant Classification Sherloc (09022015). Collection method: clinical testing. Allele origin: germline.

PreventionGenetics, part of Exact Sciences
Classification: Likely benign for MYBPC3-related condition. Last evaluated: 2025-04-30. Review status: criteria provided, single submitter. Criteria: ACMG Guidelines, 2015. Collection method: clinical testing. Allele origin: germline.
Comment: This variant is classified as likely benign based on ACMG/AMP sequence variant interpretation guidelines (Richards et al. 2015 PMID: 25741868, with internal and published modifications).

Ambry Genetics
Classification: Likely benign for Cardiovascular phenotype. Last evaluated: 2022-08-16. Review status: criteria provided, single submitter. Criteria: Ambry Variant Classification Scheme 2023. Collection method: clinical testing. Allele origin: germline.